The following is an entry in ClinVar:

ClinVar aggregate classification (germline): Uncertain significance (1 of 4 stars; one submission).

Conditions:
Early-infantile DEE. Also called: Early infantile epileptic encephalopathy; Early infantile epileptic encephalopathy with suppression bursts; Ohtahara syndrome. Identifiers: Orphanet 1934, MedGen C0393706, MONDO:0800491.

Submission:

Labcorp Genetics (formerly Invitae), Labcorp
Classification: Uncertain significance for Early-infantile DEE. Last evaluated: 2024-04-29. Review status: criteria provided, single submitter. Criteria: Invitae Variant Classification Sherloc (09022015). Collection method: clinical testing. Allele origin: germline.
Comment: This sequence change replaces leucine, which is neutral and non-polar, with methionine, which is neutral and non-polar, at codon 2180 of the SPTAN1 protein (p.Leu2180Met). This variant is not present in population databases (gnomAD no frequency). This variant has not been reported in the literature in individuals affected with SPTAN1-related conditions. Advanced modeling of protein sequence and biophysical properties (such as structural, functional, and spatial information, amino acid conservation, physicochemical variation, residue mobility, and thermodynamic stability) has been performed at Invitae for this missense variant, however the output from this modeling did not meet the statistical confidence thresholds required to predict the impact of this variant on SPTAN1 protein function. In summary, the available evidence is currently insufficient to determine the role of this variant in disease. Therefore, it has been classified as a Variant of Uncertain Significance.

NM_001130438.3(SPTAN1):c.6538C>A (p.Leu2180Met)

Gene: SPTAN1 (spectrin alpha, non-erythrocytic 1; plus strand). Cytogenetic location: 9q34.11.
Variant type: single nucleotide variant.
Coding change: c.6538C>A on transcript NM_001130438.3 (MANE Select); coding-DNA position 6538, C replaced by A.
Protein change: p.Leu2180Met; replaces leucine 2180 with methionine.
Molecular consequence: missense variant.
Genome position (GRCh38, 1-based): chr9:128,626,649, C>A. VCF-style: chr9-128626649-C-A. GRCh37 (hg19) VCF-style: chr9-131388928-C-A.
Other names: c.6538C>A, p.Leu2180Met (NM_001375313.1, NM_001363759.2, NM_001375310.1 and 1 more transcripts); c.6478C>A, p.Leu2160Met (NM_001375314.2, NM_001363765.2); c.6574C>A, p.Leu2192Met (NM_001375318.1, NM_001375312.2); c.6523C>A, p.Leu2175Met (NM_003127.4); c.6463C>A, p.Leu2155Met (NM_001195532.2); short protein forms L2175M, L2160M, L2180M, L2192M, L2155M.
Identifiers: ClinVar variation 2830525 (VCV002830525.3), dbSNP rs2542211591, ClinGen allele CA375089714.